The following is an entry in ClinVar:

NC_012920.1(MT-CO1):m.6924G>A

Gene: MT-CO1 (mitochondrially encoded cytochrome c oxidase I; plus strand).
Variant type: single nucleotide variant.
Genome position: chrM-6924-G-A.
Identifiers: ClinVar variation 692686 (VCV000692686.1), dbSNP rs1603220692, ClinGen allele CA414790090.
Genomic context (GRCh38, chrMT:6,924, plus strand): 5'-TTTAGCTGACTCGCCACACTCCACGGAAGCAATATGAAATGATCTGCTGCAGTGCTCTGA[G>A]CCCTAGGATTCATCTTTCTTTTCACCGTAGGTGGCCTGACTGGCATTGTATTAGCAAACT-3'

ClinVar aggregate classification (germline): Uncertain significance (1 of 4 stars; one submission).

Conditions:
Leigh syndrome (NULS). Also called: Leigh's necrotizing encephalopathy; Leigh's disease; Leigh Syndrome (mtDNA deletion); Leigh Disease; Subacute necrotizing encephalopathy; Necrotizing encephalopathy infantile subacute of Leigh. Identifiers: Orphanet 506, MedGen C2931891, MONDO:0009723, OMIM 256000.

Submission:

Wong Mito Lab, Molecular and Human Genetics, Baylor College of Medicine
Classification: Uncertain significance for Leigh syndrome. Last evaluated: 2019-10-17. Review status: criteria provided, single submitter. Criteria: Modified ACMG Guidelines (Unpublished). Collection method: clinical testing. Allele origin: germline.
Comment: The NC_012920.1:m.6924G>A (YP_003024028.1:p.Ala341Thr) variant in MTCO1 gene is interpretated to be a Uncertain Significance variant based on the modified ACMG guidelines (unpublished). This variant meets the following evidence codes: PP6, PP7